The following is an entry in ClinVar:

ClinVar aggregate classification (germline): Uncertain significance (1 of 4 stars; one submission).

gnomAD v4.1: 3 of 1,613,698 alleles (0.00019%); highest among the groups gnomAD compares: Non-Finnish European, 0.00025%; no homozygotes.

Submission:

Labcorp Genetics (formerly Invitae), Labcorp
Classification: Uncertain significance. Last evaluated: 2025-05-23. Review status: criteria provided, single submitter. Criteria: Invitae Variant Classification Sherloc (09022015). Collection method: clinical testing. Allele origin: germline.
Comment: This sequence change replaces alanine, which is neutral and non-polar, with glycine, which is neutral and non-polar, at codon 351 of the SUCLG2 protein (p.Ala351Gly). This variant is present in population databases (no rsID available, gnomAD 0.0009%). This variant has not been reported in the literature in individuals affected with SUCLG2-related conditions. An algorithm developed to predict the effect of missense changes on protein structure and function (PolyPhen-2) suggests that this variant is likely to be tolerated. Algorithms developed to predict the effect of sequence changes on RNA splicing suggest that this variant may create or strengthen a splice site. In summary, the available evidence is currently insufficient to determine the role of this variant in disease. Therefore, it has been classified as a Variant of Uncertain Significance.

NM_003848.4(SUCLG2):c.1052C>G (p.Ala351Gly)

Gene: SUCLG2 (succinate-CoA ligase GDP-forming subunit beta; minus strand). Cytogenetic location: 3p14.1.
Variant type: single nucleotide variant.
Coding change: c.1052C>G on transcript NM_003848.4 (MANE Select); coding-DNA position 1052, C replaced by G.
Protein change: p.Ala351Gly; replaces alanine 351 with glycine.
Molecular consequence: missense variant.
Genome position (GRCh38, 1-based): chr3:67,495,808, G>C on the plus strand (C>G on the coding strand, the complement: SUCLG2 is on the minus strand). VCF-style: chr3-67495808-G-C. GRCh37 (hg19) VCF-style: chr3-67546232-G-C.
Other names: c.1052C>G, p.Ala351Gly (NM_001177599.2); short protein forms A351G.
Identifiers: ClinVar variation 4803721 (VCV004803721.1).